The following is an entry in ClinVar:

NM_001103.4(ACTN2):c.1614T>G (p.Asp538Glu)

Gene: ACTN2 (actinin alpha 2; plus strand). Cytogenetic location: 1q43.
Variant type: single nucleotide variant.
Coding change: c.1614T>G on transcript NM_001103.4 (MANE Select); coding-DNA position 1614, T replaced by G.
Protein change: p.Asp538Glu; replaces aspartic acid 538 with glutamic acid.
Molecular consequence: missense variant.
Genome position (GRCh38, 1-based): chr1:236,749,222, T>G. VCF-style: chr1-236749222-T-G. GRCh37 (hg19) VCF-style: chr1-236912522-T-G.
Other names: c.1614T>G, p.Asp538Glu (NM_001278343.2); c.990T>G, p.Asp330Glu (NM_001278344.2); short protein forms D330E, D538E.
Identifiers: ClinVar variation 1388053 (VCV001388053.6), dbSNP rs368615266, ClinGen allele CA345384949.

ClinVar aggregate classification (germline): Uncertain significance (1 of 4 stars; one submission).

Conditions:
Primary familial hypertrophic cardiomyopathy (HCM). Identifiers: Orphanet 99739, MedGen C0949658, MeSH D024741, MONDO:0024573. Inheritance: Various modes of inheritance.
Dilated cardiomyopathy 1AA (CMD1AA). Also called: CARDIOMYOPATHY, DILATED, 1AA, WITH OR WITHOUT LEFT VENTRICULAR NONCOMPACTION; CARDIOMYOPATHY, FAMILIAL HYPERTROPHIC, 23, WITH OR WITHOUT LEFT VENTRICULAR NONCOMPACTION; Cardiomyopathy, dilated, 1AA, with or without LVNC. Identifiers: Orphanet 154, MedGen C2677338, MONDO:0012808, OMIM 612158.

Submission:

Labcorp Genetics (formerly Invitae), Labcorp
Classification: Uncertain significance for Primary familial hypertrophic cardiomyopathy; Dilated cardiomyopathy 1AA. Last evaluated: 2024-10-17. Review status: criteria provided, single submitter. Criteria: Invitae Variant Classification Sherloc (09022015). Collection method: clinical testing. Allele origin: germline.
Comment: This sequence change replaces aspartic acid, which is acidic and polar, with glutamic acid, which is acidic and polar, at codon 538 of the ACTN2 protein (p.Asp538Glu). This variant is not present in population databases (gnomAD no frequency). This variant has not been reported in the literature in individuals affected with ACTN2-related conditions. ClinVar contains an entry for this variant (Variation ID: 1388053). Invitae Evidence Modeling of protein sequence and biophysical properties (such as structural, functional, and spatial information, amino acid conservation, physicochemical variation, residue mobility, and thermodynamic stability) has been performed for this missense variant. However, the output from this modeling did not meet the statistical confidence thresholds required to predict the impact of this variant on ACTN2 protein function. In summary, the available evidence is currently insufficient to determine the role of this variant in disease. Therefore, it has been classified as a Variant of Uncertain Significance.